The following is an entry in ClinVar:

NM_000180.4(GUCY2D):c.2290C>G (p.Pro764Ala)

Gene: GUCY2D (guanylate cyclase 2D, retinal; plus strand). Cytogenetic location: 17p13.1.
Variant type: single nucleotide variant.
Coding change: c.2290C>G on transcript NM_000180.4 (MANE Select); coding-DNA position 2290, C replaced by G.
Protein change: p.Pro764Ala; replaces proline 764 with alanine.
Molecular consequence: missense variant.
Genome position (GRCh38, 1-based): chr17:8,013,906, C>G. VCF-style: chr17-8013906-C-G. GRCh37 (hg19) VCF-style: chr17-7917224-C-G.
Other names: short protein forms P764A.
Identifiers: ClinVar variation 2117595 (VCV002117595.2), dbSNP rs1975906957, ClinGen allele CA397953107.

ClinVar aggregate classification (germline): Uncertain significance (1 of 4 stars; one submission).

Conditions:
Cone-rod dystrophy 6 (CORD6). Also called: RETINAL CONE DYSTROPHY 2; Cone dystrophy progressive. Identifiers: Orphanet 1872, MedGen C1866293, MONDO:0011143, OMIM 601777.
Leber congenital amaurosis 1 (LCA1). Also called: RETINAL BLINDNESS, CONGENITAL; AMAUROSIS CONGENITA OF LEBER I; Congenital absence of the rods and cones; Leber's congenital tapetoretinal degeneration; Leber's congenital tapetoretinal dysplasia. Identifiers: Orphanet 65, MedGen C2931258, MONDO:0008764, OMIM 204000.

gnomAD v4.1: 1 of 1,613,624 alleles (0.000062%); highest among the groups gnomAD compares: Non-Finnish European, 0.000085%; no homozygotes.

Submission:

Labcorp Genetics (formerly Invitae), Labcorp
Classification: Uncertain significance for Leber congenital amaurosis 1; Cone-rod dystrophy 6. Last evaluated: 2026-01-27. Review status: criteria provided, single submitter. Criteria: Invitae Variant Classification Sherloc (09022015). Collection method: clinical testing. Allele origin: germline.
Comment: This sequence change replaces proline, which is neutral and non-polar, with alanine, which is neutral and non-polar, at codon 764 of the GUCY2D protein (p.Pro764Ala). This variant is not present in population databases (gnomAD no frequency). This variant has not been reported in the literature in individuals affected with GUCY2D-related conditions. ClinVar contains an entry for this variant (Variation ID: 2117595). Invitae Evidence Modeling of protein sequence and biophysical properties (such as structural, functional, and spatial information, amino acid conservation, physicochemical variation, residue mobility, and thermodynamic stability) has been performed for this missense variant. However, the output from this modeling did not meet the statistical confidence thresholds required to predict the impact of this variant on GUCY2D protein function. In summary, the available evidence is currently insufficient to determine the role of this variant in disease. Therefore, it has been classified as a Variant of Uncertain Significance.